The following is an entry in ClinVar:

ClinVar aggregate classification (germline): Uncertain significance (1 of 4 stars; one submission).

Submission:

Labcorp Genetics (formerly Invitae), Labcorp
Classification: Uncertain significance. Last evaluated: 2022-10-16. Review status: criteria provided, single submitter. Criteria: Invitae Variant Classification Sherloc (09022015). Collection method: clinical testing. Allele origin: germline.
Comment: In summary, the available evidence is currently insufficient to determine the role of this variant in disease. Therefore, it has been classified as a Variant of Uncertain Significance. Algorithms developed to predict the effect of sequence changes on RNA splicing suggest that this variant may disrupt the consensus splice site. This variant has not been reported in the literature in individuals affected with CAMK2B-related conditions. This variant is not present in population databases (gnomAD no frequency). This sequence change affects a donor splice site in intron 10 of the CAMK2B gene. It is expected to disrupt RNA splicing. Variants that disrupt the donor or acceptor splice site typically lead to a loss of protein function (PMID: 16199547), however the current clinical and genetic evidence is not sufficient to establish whether loss-of-function variants in CAMK2B cause disease.

Literature cited by the submitters: PubMed 16199547.

NM_001220.5(CAMK2B):c.819+2T>A

Gene: CAMK2B (calcium/calmodulin dependent protein kinase II beta; minus strand). Cytogenetic location: 7p13.
Variant type: single nucleotide variant.
Coding change: c.819+2T>A on transcript NM_001220.5 (MANE Select); the canonical splice donor site of the intron after coding-DNA position 819, T replaced by A.
Molecular consequence: splice donor variant.
Genome position (GRCh38, 1-based): chr7:44,242,216, A>T on the plus strand (T>A on the coding strand, the complement: CAMK2B is on the minus strand). VCF-style: chr7-44242216-A-T. GRCh37 (hg19) VCF-style: chr7-44281815-A-T.
Other names: c.819+2T>A (NM_172084.3, NM_172080.3, NM_172083.3 and 5 more transcripts).
Identifiers: ClinVar variation 2035785 (VCV002035785.4), dbSNP rs2486031356, ClinGen allele CA367363693.
Genomic context (GRCh38, chr7:44,242,216, plus strand): 5'-GTGGTCTGAGGCCATCTCCACCAGGAGCCCCCTCCCCACCATGGGCACCAAGGGCGACTC[A>T]CGCAGACCCACGGGTGCTTCAGGGCCTCATGGGCTGTGATGCGCTTGGCAGGGTTGATGG-3'